The following is an entry in ClinVar:

ClinVar aggregate classification (germline): Uncertain significance. Review status: criteria provided, single submitter (1 of 4 stars). 2 submissions from 2 submitters: Uncertain significance (1). 1 of the submissions does not count toward it. Last evaluated 2024-12-22.

Conditions:
Inborn genetic diseases. Identifiers: MedGen C0950123, MeSH D030342.
ETV6-related disorder. Also called: ETV6-related condition.

gnomAD v4.1: 3 of 1,613,698 alleles (0.00019%); highest among the groups gnomAD compares: Admixed American, 0.0033%; no homozygotes.

Submissions (2):

Ambry Genetics
Classification: Uncertain significance for Inborn genetic diseases. Last evaluated: 2024-12-22. Review status: criteria provided, single submitter. Criteria: Ambry Variant Classification Scheme 2023. Collection method: clinical testing. Allele origin: germline.
Comment: The p.M427T variant (also known as c.1280T>C), located in coding exon 8 of the ETV6 gene, results from a T to C substitution at nucleotide position 1280. The methionine at codon 427 is replaced by threonine, an amino acid with similar properties. This amino acid position is conserved. In addition, the in silico prediction for this alteration is inconclusive. Based on the available evidence, the clinical significance of this variant remains unclear.

PreventionGenetics, part of Exact Sciences
Classification: Uncertain significance for ETV6-related condition. Last evaluated: 2024-09-21. Review status: no assertion criteria provided. Collection method: clinical testing. Allele origin: germline. Not counted in ClinVar's aggregate classification.
Comment: The ETV6 c.1280T>C variant is predicted to result in the amino acid substitution p.Met427Thr. To our knowledge, this variant has not been reported in the literature. This variant is reported in 0.0029% of alleles in individuals of Latino descent in gnomAD. At this time, the clinical significance of this variant is uncertain due to the absence of conclusive functional and genetic evidence.

NM_001987.5(ETV6):c.1280T>C (p.Met427Thr)

Gene: ETV6 (ETS variant transcription factor 6; plus strand). Cytogenetic location: 12p13.2.
Variant type: single nucleotide variant.
Coding change: c.1280T>C on transcript NM_001987.5 (MANE Select); coding-DNA position 1280, T replaced by C.
Protein change: p.Met427Thr; replaces methionine 427 with threonine.
Molecular consequence: missense variant. On other transcripts: 3 prime UTR variant (1).
Genome position (GRCh38, 1-based): chr12:11,890,967, T>C. VCF-style: chr12-11890967-T-C. GRCh37 (hg19) VCF-style: chr12-12043901-T-C.
Other names: c.1277T>C, p.Met426Thr (NM_001413913.1); c.1253T>C, p.Met418Thr (NM_001413914.1); c.1016T>C, p.Met339Thr (NM_001413915.1); c.*19T>C (NM_001413917.1); short protein forms M339T, M418T, M426T, M427T.
Identifiers: ClinVar variation 3354898 (VCV003354898.2).
Genomic context (GRCh38, chr12:11,890,967, plus strand): 5'-GAATCTCTTACCTCCTCCACTTCTTCTTCCAAAGGTTTATGAAAACCCCAGATGAAATCA[T>C]GAGTGGCCGAACAGACCGTCTGGAGCACCTAGAGTCCCAGGAGCTGGATGAACAAATATA-3'
Protein context (NP_001978.1, residues 417-437): FRFMKTPDEI[Met427Thr]SGRTDRLEHL